The following is an entry in ClinVar:

ClinVar aggregate classification (germline): Uncertain significance (1 of 4 stars; one submission).

Submission:

Ambry Genetics
Classification: Uncertain significance. Last evaluated: 2021-10-26. Review status: criteria provided, single submitter. Criteria: Ambry Variant Classification Scheme 2023. Collection method: clinical testing. Allele origin: germline.
Comment: The p.S2517P variant (also known as c.7549T>C), located in coding exon 29 of the POLQ gene, results from a T to C substitution at nucleotide position 7549. The serine at codon 2517 is replaced by proline, an amino acid with similar properties. This amino acid position is conserved. In addition, this alteration is predicted to be tolerated by in silico analysis. Since supporting evidence is limited at this time, the clinical significance of this alteration remains unclear.

NM_199420.4(POLQ):c.7549T>C (p.Ser2517Pro)

Gene: POLQ (DNA polymerase theta; minus strand). Cytogenetic location: 3q13.33.
Variant type: single nucleotide variant.
Coding change: c.7549T>C on transcript NM_199420.4 (MANE Select); coding-DNA position 7549, T replaced by C.
Protein change: p.Ser2517Pro; replaces serine 2517 with proline.
Molecular consequence: missense variant.
Genome position (GRCh38, 1-based): chr3:121,433,028, A>G on the plus strand (T>C on the coding strand, the complement: POLQ is on the minus strand). VCF-style: chr3-121433028-A-G. GRCh37 (hg19) VCF-style: chr3-121151875-A-G.
Other names: short protein forms S2517P.
Identifiers: ClinVar variation 1759461 (VCV001759461.2), dbSNP rs2546744943, ClinGen allele CA354094070.
Genomic context (GRCh38, chr3:121,433,028, plus strand): 5'-GAAGGATGAAGAAGCCTCCTCTGATTGGGCAGAACATCCCTTGCAGTTTTCTCTTTCGTG[A>G]CAATCCTACTTCATGAAAAAGGAGCAAAACTGATCAGCATGTCGCTAAGTCATAGGAGAA-3'
Protein context (NP_955452.3, residues 2507-2527): GMLQSDQTGL[Ser2517Pro]RKRKLQGMFC